The following is an entry in ClinVar:

NM_015466.4(PTPN23):c.3340G>A (p.Ala1114Thr)

Gene: PTPN23 (protein tyrosine phosphatase non-receptor type 23; plus strand). Cytogenetic location: 3p21.31.
Variant type: single nucleotide variant.
Coding change: c.3340G>A on transcript NM_015466.4 (MANE Select); coding-DNA position 3340, G replaced by A.
Protein change: p.Ala1114Thr; replaces alanine 1114 with threonine.
Molecular consequence: missense variant.
Genome position (GRCh38, 1-based): chr3:47,411,138, G>A. VCF-style: chr3-47411138-G-A. GRCh37 (hg19) VCF-style: chr3-47452628-G-A.
Other names: c.2962G>A, p.Ala988Thr (NM_001304482.2); c.3340G>A (NM_015466.2); short protein forms A1114T, A988T.
Identifiers: ClinVar variation 1516051 (VCV001516051.4), dbSNP rs768537319, ClinGen allele CA2366257.

ClinVar aggregate classification (germline): Conflicting classifications of pathogenicity. Review status: criteria provided, conflicting classifications (1 of 4 stars). 2 submissions from 2 submitters: Uncertain significance (1); Likely benign (1). Last evaluated 2022-10-27.

Conditions:
Inborn genetic diseases. Identifiers: MedGen C0950123, MeSH D030342.

Allele frequency attached by ClinVar (database versions not stated): gnomAD exomes 0.00003 and 0.00006; ExAC 0.00009; gnomAD 0.00009; TOPMed 0.00009.
gnomAD v4.1: 58 of 1,600,482 alleles (0.0036%); highest among the groups gnomAD compares: Middle Eastern, 0.083%; no homozygotes.

Submissions (2):

Ambry Genetics
Classification: Likely benign for Inborn genetic diseases. Last evaluated: 2022-10-27. Review status: criteria provided, single submitter. Criteria: Ambry Variant Classification Scheme 2023. Collection method: clinical testing. Allele origin: germline.

Labcorp Genetics (formerly Invitae), Labcorp
Classification: Uncertain significance. Last evaluated: 2022-08-08. Review status: criteria provided, single submitter. Criteria: Invitae Variant Classification Sherloc (09022015). Collection method: clinical testing. Allele origin: germline.
Comment: This sequence change replaces alanine, which is neutral and non-polar, with threonine, which is neutral and polar, at codon 1114 of the PTPN23 protein (p.Ala1114Thr). This variant is present in population databases (rs768537319, gnomAD 0.02%). This variant has not been reported in the literature in individuals affected with PTPN23-related conditions. ClinVar contains an entry for this variant (Variation ID: 1516051). Algorithms developed to predict the effect of missense changes on protein structure and function output the following: SIFT: "Tolerated"; PolyPhen-2: "Benign"; Align-GVGD: "Class C0". The threonine amino acid residue is found in multiple mammalian species, which suggests that this missense change does not adversely affect protein function. In summary, the available evidence is currently insufficient to determine the role of this variant in disease. Therefore, it has been classified as a Variant of Uncertain Significance.